The following is an entry in ClinVar:

ClinVar aggregate classification (germline): Uncertain significance (1 of 4 stars; one submission).

Conditions:
Inborn genetic diseases. Identifiers: MedGen C0950123, MeSH D030342.

Submission:

Ambry Genetics
Classification: Uncertain significance for Inborn genetic diseases. Last evaluated: 2024-02-02. Review status: criteria provided, single submitter. Criteria: Ambry Variant Classification Scheme 2023. Collection method: clinical testing. Allele origin: germline.
Comment: The p.S372G variant (also known as c.1114A>G), located in coding exon 9 of the EPAS1 gene, results from an A to G substitution at nucleotide position 1114. The serine at codon 372 is replaced by glycine, an amino acid with similar properties. This amino acid position is conserved. In addition, this alteration is predicted to be tolerated by in silico analysis. Since supporting evidence is limited at this time, the clinical significance of this alteration remains unclear.

NM_001430.5(EPAS1):c.1114A>G (p.Ser372Gly)

Gene: EPAS1 (endothelial PAS domain protein 1; plus strand). Cytogenetic location: 2p21.
Variant type: single nucleotide variant.
Coding change: c.1114A>G on transcript NM_001430.5 (MANE Select); coding-DNA position 1114, A replaced by G.
Protein change: p.Ser372Gly; replaces serine 372 with glycine.
Molecular consequence: missense variant.
Genome position (GRCh38, 1-based): chr2:46,376,618, A>G. VCF-style: chr2-46376618-A-G. GRCh37 (hg19) VCF-style: chr2-46603757-A-G.
Other names: short protein forms S372G.
Identifiers: ClinVar variation 1795849 (VCV001795849.2), dbSNP rs2546471376, ClinGen allele CA346703211.